The following is an entry in ClinVar:

ClinVar aggregate classification (germline): Uncertain significance (1 of 4 stars; one submission).

Submission:

Labcorp Genetics (formerly Invitae), Labcorp
Classification: Uncertain significance. Last evaluated: 2023-10-20. Review status: criteria provided, single submitter. Criteria: Invitae Variant Classification Sherloc (09022015). Collection method: clinical testing. Allele origin: germline.
Comment: This sequence change replaces serine, which is neutral and polar, with threonine, which is neutral and polar, at codon 3935 of the KMT2C protein (p.Ser3935Thr). This variant is not present in population databases (gnomAD no frequency). This variant has not been reported in the literature in individuals affected with KMT2C-related conditions. An algorithm developed to predict the effect of missense changes on protein structure and function (PolyPhen-2) suggests that this variant is likely to be tolerated. In summary, the available evidence is currently insufficient to determine the role of this variant in disease. Therefore, it has been classified as a Variant of Uncertain Significance.

NM_170606.3(KMT2C):c.11804G>C (p.Ser3935Thr)

Gene: KMT2C (lysine methyltransferase 2C; minus strand). Cytogenetic location: 7q36.1.
Variant type: single nucleotide variant.
Coding change: c.11804G>C on transcript NM_170606.3 (MANE Select); coding-DNA position 11804, G replaced by C.
Protein change: p.Ser3935Thr; replaces serine 3935 with threonine.
Molecular consequence: missense variant.
Genome position (GRCh38, 1-based): chr7:152,156,213, C>G on the plus strand (G>C on the coding strand, the complement: KMT2C is on the minus strand). VCF-style: chr7-152156213-C-G. GRCh37 (hg19) VCF-style: chr7-151853298-C-G.
Other names: short protein forms S3935T.
Identifiers: ClinVar variation 2980138 (VCV002980138.3), dbSNP rs2129099784, ClinGen allele CA370097912.